The following is an entry in ClinVar:

NM_001164508.2(NEB):c.6623C>T (p.Pro2208Leu)

Gene: NEB (nebulin; minus strand). Cytogenetic location: 2q23.3.
Variant type: single nucleotide variant.
Coding change: c.6623C>T on transcript NM_001164508.2 (MANE Select); coding-DNA position 6623, C replaced by T.
Protein change: p.Pro2208Leu; replaces proline 2208 with leucine.
Molecular consequence: missense variant.
Genome position (GRCh38, 1-based): chr2:151,655,896, G>A on the plus strand (C>T on the coding strand, the complement: NEB is on the minus strand). VCF-style: chr2-151655896-G-A. GRCh37 (hg19) VCF-style: chr2-152512410-G-A.
Other names: p.Pro2208Leu; c.6623C>T, p.Pro2208Leu (NM_001164507.2, NM_001271208.2, NM_004543.5); c.6623C>T (NM_004543.4); short protein forms P2208L.
Identifiers: ClinVar variation 2198039 (VCV002198039.10), dbSNP rs766175179, ClinGen allele CA1910059.

ClinVar aggregate classification (germline): Conflicting classifications of pathogenicity. Review status: criteria provided, conflicting classifications (1 of 4 stars). 5 submissions from 5 submitters: Uncertain significance (4); Likely benign (1). Last evaluated 2025-03-18.

Conditions:
Nemaline myopathy 2 (NEM2). Also called: Nemaline myopathy 2, autosomal recessive. Identifiers: MedGen C1850569, MONDO:0009725, OMIM 256030.
Inborn genetic diseases. Identifiers: MedGen C0950123, MeSH D030342.

Allele frequency attached by ClinVar (database versions not stated): TOPMed 0.00001; gnomAD 0.00002; ExAC 0.00007; 1000 Genomes Project 30x 0.00016.
gnomAD v4.1: 43 of 1,613,730 alleles (0.0027%); highest among the groups gnomAD compares: South Asian, 0.031%; no homozygotes.

Submissions (5):

Women's Health and Genetics/Laboratory Corporation of America, LabCorp
Classification: Uncertain significance. Last evaluated: 2025-03-18. Review status: criteria provided, single submitter. Criteria: LabCorp Variant Classification Summary - May 2015. Collection method: clinical testing. Allele origin: germline.
Comment: Variant summary: NEB c.6623C>T (p.Pro2208Leu) results in a non-conservative amino acid change in the encoded protein sequence. Three of four in-silico tools predict a damaging effect of the variant on protein function. The variant allele was found at a frequency of 6e-05 in 249052 control chromosomes. This frequency is not significantly higher than estimated for a pathogenic variant in NEB causing Nemaline Myopathy 2 (6e-05 vs 0.0035), allowing no conclusion about variant significance. To our knowledge, no occurrence of c.6623C>T in individuals affected with Nemaline Myopathy 2 and no experimental evidence demonstrating its impact on protein function have been reported. ClinVar contains an entry for this variant (Variation ID: 2198039). Based on the evidence outlined above, the variant was classified as uncertain significance.

Labcorp Genetics (formerly Invitae), Labcorp
Classification: Likely benign for Nemaline myopathy 2. Last evaluated: 2024-07-10. Review status: criteria provided, single submitter. Criteria: Invitae Variant Classification Sherloc (09022015). Collection method: clinical testing. Allele origin: germline.

Ambry Genetics
Classification: Uncertain significance for Inborn genetic diseases. Last evaluated: 2024-04-09. Review status: criteria provided, single submitter. Criteria: Ambry Variant Classification Scheme 2023. Collection method: clinical testing. Allele origin: germline.

Mayo Clinic Laboratories, Mayo Clinic
Classification: Uncertain significance. Last evaluated: 2024-03-15. Review status: criteria provided, single submitter. Criteria: ACMG Guidelines, 2015. Collection method: clinical testing. Allele origin: germline. Observed: 1 variant allele.
Comment: BP4

Revvity Omics, Revvity
Classification: Uncertain significance. Last evaluated: 2023-02-27. Review status: criteria provided, single submitter. Criteria: ACMG Guidelines, 2015. Collection method: clinical testing. Allele origin: germline.